The following is an entry in ClinVar:

ClinVar aggregate classification (germline): Uncertain significance (1 of 4 stars; one submission).

gnomAD v4.1: 1 of 1,613,964 alleles (0.000062%); highest among the groups gnomAD compares: Non-Finnish European, 0.000085%; no homozygotes.

Submission:

GeneDx
Classification: Uncertain significance. Last evaluated: 2026-03-19. Review status: criteria provided, single submitter. Criteria: GeneDx Variant Classification Process June 2021. Collection method: clinical testing. Allele origin: germline.
Comment: Has not been previously published as pathogenic or benign to our knowledge

NM_000540.3(RYR1):c.10889G>A (p.Arg3630Gln)

Gene: RYR1 (ryanodine receptor 1; plus strand). Cytogenetic location: 19q13.2.
Variant type: single nucleotide variant.
Coding change: c.10889G>A on transcript NM_000540.3 (MANE Select); coding-DNA position 10889, G replaced by A.
Protein change: p.Arg3630Gln; replaces arginine 3630 with glutamine.
Molecular consequence: missense variant.
Genome position (GRCh38, 1-based): chr19:38,528,370, G>A. VCF-style: chr19-38528370-G-A. GRCh37 (hg19) VCF-style: chr19-39019010-G-A.
Other names: c.10874G>A, p.Arg3625Gln (NM_001042723.2); short protein forms R3625Q, R3630Q.
Identifiers: ClinVar variation 5009493 (VCV005009493.1).